The following is an entry in ClinVar:

NM_005477.3(HCN4):c.2798C>G (p.Ala933Gly)

Gene: HCN4 (hyperpolarization activated cyclic nucleotide gated potassium channel 4; minus strand). Cytogenetic location: 15q24.1.
Variant type: single nucleotide variant.
Coding change: c.2798C>G on transcript NM_005477.3 (MANE Select); coding-DNA position 2798, C replaced by G.
Protein change: p.Ala933Gly; replaces alanine 933 with glycine.
Molecular consequence: missense variant.
Genome position (GRCh38, 1-based): chr15:73,323,295, G>C on the plus strand (C>G on the coding strand, the complement: HCN4 is on the minus strand). VCF-style: chr15-73323295-G-C. GRCh37 (hg19) VCF-style: chr15-73615636-G-C.
Other names: short protein forms A933G.
Identifiers: ClinVar variation 4529770 (VCV004529770.1).

ClinVar aggregate classification (germline): Uncertain significance (1 of 4 stars; one submission).

Submission:

GeneDx
Classification: Uncertain significance. Last evaluated: 2025-05-14. Review status: criteria provided, single submitter. Criteria: GeneDx Variant Classification Process June 2021. Collection method: clinical testing. Allele origin: germline. Affected: yes.
Comment: Not observed at significant frequency in large population cohorts (gnomAD); In silico analysis suggests that this missense variant does not alter protein structure/function; Has not been previously published as pathogenic or benign to our knowledge